The following is an entry in ClinVar:

ClinVar aggregate classification (germline): Likely benign (1 of 4 stars; one submission).

gnomAD v4.1: 967 of 1,070,392 alleles (0.09%); highest among the groups gnomAD compares: African/African-American, 1.4%; 10 homozygotes.

Submission:

GeneDx
Classification: Likely benign. Last evaluated: 2020-03-14. Review status: criteria provided, single submitter. Criteria: GeneDx Variant Classification Process June 2021. Collection method: clinical testing. Allele origin: germline. Affected: yes.
Comment: See Variant Classification Assertion Criteria.

NC_000022.11:g.50217614C>T

Genes: SELENOO (selenoprotein O; plus strand), TUBGCP6 (tubulin gamma complex component 6; minus strand). Cytogenetic location: 22q13.33.
Variant type: single nucleotide variant.
Molecular consequence: 3 prime UTR variant (on NM_031454.2).
Genome position: GRCh38 VCF-style: chr22-50217614-C-T. GRCh37 (hg19) VCF-style: chr22-50656043-C-T.
Other names: c.*245C>T (NM_031454.2).
Identifiers: ClinVar variation 4813938 (VCV004813938.1).